The following is an entry in ClinVar:

ClinVar aggregate classification (germline): Pathogenic (1 of 4 stars; one submission).

Conditions:
Familial cancer of breast. Also called: BREAST CANCER, FAMILIAL; Hereditary breast cancer; hereditary breast carcinoma. Identifiers: Orphanet 227535, MedGen C0346153, MONDO:0016419, OMIM 114480. Disease mechanism: loss of function.

Submission:

Labcorp Genetics (formerly Invitae), Labcorp
Classification: Pathogenic for Familial cancer of breast. Last evaluated: 2023-12-24. Review status: criteria provided, single submitter. Criteria: Invitae Variant Classification Sherloc (09022015). Collection method: clinical testing. Allele origin: unknown.
Comment: This variant is a gross deletion of the genomic region encompassing exon(s) 4-11 of the BARD1 gene, which includes the termination codon. This deletion extends beyond the assayed region for this gene and therefore may encompass additional genes. While this deletion is not anticipated to lead to nonsense mediated decay, it is expected to alter mRNA translation or result in a truncated protein product. This variant has not been reported in the literature in individuals affected with BARD1-related conditions. Algorithms developed to predict the effect of variants on protein structure and function are not available or were not evaluated for this variant. Experimental studies have shown that a similar copy number variant affects BARD1 function (PMID: 17848578). For these reasons, this variant has been classified as Pathogenic.

Literature cited by the submitters: PubMed 17848578.

NC_000002.11:g.(?_215593400)_(215646344_?)del

Gene: BARD1 (BRCA1 associated RING domain 1; minus strand). Cytogenetic location: 2q35.
Variant type: Deletion.
Identifiers: ClinVar variation 3247173 (VCV003247173.1).